The following is an entry in ClinVar:

NM_006306.4(SMC1A):c.2890A>G (p.Ser964Gly)

Gene: SMC1A (structural maintenance of chromosomes 1A; minus strand). Cytogenetic location: Xp11.22.
Variant type: single nucleotide variant.
Coding change: c.2890A>G on transcript NM_006306.4 (MANE Select); coding-DNA position 2890, A replaced by G.
Protein change: p.Ser964Gly; replaces serine 964 with glycine.
Molecular consequence: missense variant.
Genome position (GRCh38, 1-based): chrX:53,394,861, T>C on the plus strand (A>G on the coding strand, the complement: SMC1A is on the minus strand). VCF-style: chrX-53394861-T-C. GRCh37 (hg19) VCF-style: chrX-53421781-T-C.
Other names: c.2824A>G, p.Ser942Gly (NM_001281463.1); short protein forms S942G, S964G.
Identifiers: ClinVar variation 1714230 (VCV001714230.5), dbSNP rs2520885081, ClinGen allele CA413247490.
Genomic context (GRCh38, chrX:53,394,861, plus strand): 5'-CGTAGTCAATCTCAATGAGGGCCTCTCGTGCATAGATACTGGAAATTCTCTGTGAACCAC[T>C]CACTGAGTCCTCCCCCTGGGAGCTACCCTGCAATGGCAACGGAGAGTCAAGTGGAGCAGA-3'
Protein context (NP_006297.2, residues 954-974): EGSSQGEDSV[Ser964Gly]GSQRISSIYA

ClinVar aggregate classification (germline): Uncertain significance (1 of 4 stars; one submission).

Conditions:
Congenital muscular hypertrophy-cerebral syndrome (CDLS2). Also called: Cornelia de Lange syndrome 2; SMC1A-Related Cornelia de Lange Syndrome. Identifiers: Orphanet 199, MedGen C1802395, MONDO:0010370, OMIM 300590.

Submission:

Labcorp Genetics (formerly Invitae), Labcorp
Classification: Uncertain significance for Congenital muscular hypertrophy-cerebral syndrome. Last evaluated: 2022-07-30. Review status: criteria provided, single submitter. Criteria: Invitae Variant Classification Sherloc (09022015). Collection method: clinical testing. Allele origin: germline.
Comment: This sequence change replaces serine, which is neutral and polar, with glycine, which is neutral and non-polar, at codon 964 of the SMC1A protein (p.Ser964Gly). This variant is not present in population databases (gnomAD no frequency). This variant has not been reported in the literature in individuals affected with SMC1A-related conditions. Advanced modeling of protein sequence and biophysical properties (such as structural, functional, and spatial information, amino acid conservation, physicochemical variation, residue mobility, and thermodynamic stability) performed at Invitae indicates that this missense variant is not expected to disrupt SMC1A protein function. In summary, the available evidence is currently insufficient to determine the role of this variant in disease. Therefore, it has been classified as a Variant of Uncertain Significance.